The following is an entry in ClinVar:

NM_000440.3(PDE6A):c.1359dup (p.Val454fs)

Gene: PDE6A (phosphodiesterase 6A; minus strand). Cytogenetic location: 5q32.
Variant type: Duplication.
Coding change: c.1359dup on transcript NM_000440.3 (MANE Select); coding-DNA position 1359, one base duplicated (A; older notation c.1359dupA).
Protein change: p.Val454fs; shifts the reading frame from valine 454.
Molecular consequence: frameshift variant.
Genome position (GRCh38, 1-based): chr5:149,898,411, T duplicated on the plus strand (A on the coding strand, the reverse complement: PDE6A is on the minus strand). VCF-style (leftmost placement, unchanged base first): chr5-149898410-C-CT. GRCh37 (hg19) VCF-style: chr5-149277973-C-CT.
Other names: c.1116dup, p.Val373Serfs (NM_001410788.1); short protein forms V454fs.
Identifiers: ClinVar variation 1937843 (VCV001937843.5), dbSNP rs1477314740, ClinGen allele CA805546412.

ClinVar aggregate classification (germline): Pathogenic (1 of 4 stars; one submission).

Allele frequency attached by ClinVar (database versions not stated): gnomAD exomes below 0.00001; TOPMed below 0.00001; gnomAD 0.00001.

Submission:

Labcorp Genetics (formerly Invitae), Labcorp
Classification: Pathogenic. Last evaluated: 2024-12-19. Review status: criteria provided, single submitter. Criteria: Invitae Variant Classification Sherloc (09022015). Collection method: clinical testing. Allele origin: germline.
Comment: This sequence change creates a premature translational stop signal (p.Val454Serfs*8) in the PDE6A gene. It is expected to result in an absent or disrupted protein product. Loss-of-function variants in PDE6A are known to be pathogenic (PMID: 7493036, 22128245, 23847139). This variant is not present in population databases (gnomAD no frequency). This variant has not been reported in the literature in individuals affected with PDE6A-related conditions. ClinVar contains an entry for this variant (Variation ID: 1937843). Algorithms developed to predict the effect of sequence changes on RNA splicing suggest that this variant may disrupt the consensus splice site. For these reasons, this variant has been classified as Pathogenic.

Literature cited by the submitters: PubMed 7493036; PubMed 22128245; PubMed 23847139.